The following is an entry in ClinVar:

ClinVar aggregate classification (germline): Uncertain significance (1 of 4 stars; one submission).

Submission:

Ambry Genetics
Classification: Uncertain significance. Last evaluated: 2022-09-17. Review status: criteria provided, single submitter. Criteria: Ambry Variant Classification Scheme 2023. Collection method: clinical testing. Allele origin: germline.
Comment: The p.F576I variant (also known as c.1726T>A), located in coding exon 10 of the GALNT12 gene, results from a T to A substitution at nucleotide position 1726. The phenylalanine at codon 576 is replaced by isoleucine, an amino acid with highly similar properties. This amino acid position is conserved. In addition, the in silico prediction for this alteration is inconclusive. Since supporting evidence is limited at this time, the clinical significance of this alteration remains unclear.

NM_024642.5(GALNT12):c.1726T>A (p.Phe576Ile)

Gene: GALNT12 (polypeptide N-acetylgalactosaminyltransferase 12; plus strand). Cytogenetic location: 9q22.33.
Variant type: single nucleotide variant.
Coding change: c.1726T>A on transcript NM_024642.5 (MANE Select); coding-DNA position 1726, T replaced by A.
Protein change: p.Phe576Ile; replaces phenylalanine 576 with isoleucine.
Molecular consequence: missense variant.
Genome position (GRCh38, 1-based): chr9:98,849,072, T>A. VCF-style: chr9-98849072-T-A. GRCh37 (hg19) VCF-style: chr9-101611354-T-A.
Other names: short protein forms F576I.
Identifiers: ClinVar variation 1778870 (VCV001778870.2), dbSNP rs2490566091, ClinGen allele CA374223357.